The following is an entry in ClinVar:

NM_006914.4(RORB):c.1A>G (p.Met1Val)

Genes: RORB (RAR related orphan receptor B; plus strand), RORB-AS1 (RORB antisense RNA 1; minus strand). Cytogenetic location: 9q21.13.
Variant type: single nucleotide variant.
Coding change: c.1A>G on transcript NM_006914.4 (MANE Select); coding-DNA position 1, A replaced by G.
Protein change: p.Met1Val; changes the start codon (methionine 1).
Molecular consequence: missense variant, initiator codon variant.
Genome position (GRCh38, 1-based): chr9:74,497,977, A>G. VCF-style: chr9-74497977-A-G. GRCh37 (hg19) VCF-style: chr9-77112893-A-G.
Other names: short protein forms M1V.
Identifiers: ClinVar variation 3376020 (VCV003376020.1).

ClinVar aggregate classification (germline): Pathogenic (1 of 4 stars; one submission).

Submission:

GeneDx
Classification: Pathogenic. Last evaluated: 2024-05-02. Review status: criteria provided, single submitter. Criteria: GeneDx Variant Classification Process June 2021. Collection method: clinical testing. Allele origin: germline. Affected: yes.
Comment: Initiation codon variant in a gene for which loss of function is a known mechanism of disease; Not observed at significant frequency in large population cohorts (gnomAD); Has not been previously published as pathogenic or benign to our knowledge